The following is an entry in ClinVar:

ClinVar aggregate classification (germline): Uncertain significance. Review status: criteria provided, multiple submitters, no conflicts (2 of 4 stars). 2 submissions from 2 submitters: Uncertain significance (2). Last evaluated 2026-01-05.

Conditions:
Mitochondrial DNA depletion syndrome, encephalomyopathic form with methylmalonic aciduria (MTDPS5). Also called: SUCLA2-Related Mitochondrial DNA Depletion Syndrome, Encephalomyopathic Form with Methylmalonic Aciduria; Mitochondrial encephalomyopathy aminoacidopathy; MITOCHONDRIAL DNA DEPLETION SYNDROME, ENCEPHALOMYOPATHIC FORM, WITH OR WITHOUT METHYLMALONIC ACIDURIA, AUTOSOMAL RECESSIVE, SUCLA2-RELATED; Mitochondrial DNA depletion syndrome 5 (encephalomyopathic with or without methylmalonic aciduria). Identifiers: Orphanet 1933, MedGen C5980207, MONDO:0012791, OMIM 612073.

Allele frequency attached by ClinVar (database versions not stated): gnomAD exomes below 0.00001.
gnomAD v4.1: 3 of 1,614,046 alleles (0.00019%); highest among the groups gnomAD compares: Non-Finnish European, 0.000085%; no homozygotes.

Submissions (2):

Labcorp Genetics (formerly Invitae), Labcorp
Classification: Uncertain significance for Mitochondrial DNA depletion syndrome, encephalomyopathic form with methylmalonic aciduria. Last evaluated: 2026-01-05. Review status: criteria provided, single submitter. Criteria: Invitae Variant Classification Sherloc (09022015). Collection method: clinical testing. Allele origin: germline.
Comment: This sequence change replaces histidine, which is basic and polar, with aspartic acid, which is acidic and polar, at codon 41 of the SUCLA2 protein (p.His41Asp). This variant is not present in population databases (gnomAD no frequency). This variant has not been reported in the literature in individuals affected with SUCLA2-related conditions. ClinVar contains an entry for this variant (Variation ID: 1446331). An algorithm developed to predict the effect of missense changes on protein structure and function (PolyPhen-2) suggests that this variant is likely to be tolerated. In summary, the available evidence is currently insufficient to determine the role of this variant in disease. Therefore, it has been classified as a Variant of Uncertain Significance.

GeneDx
Classification: Uncertain significance. Last evaluated: 2025-07-06. Review status: criteria provided, single submitter. Criteria: GeneDx Variant Classification Process June 2021. Collection method: clinical testing. Allele origin: germline. Affected: yes.
Comment: Has not been previously published as pathogenic or benign to our knowledge; Not observed at significant frequency in large population cohorts (gnomAD); In silico analysis suggests that this missense variant does not alter protein structure/function

NM_003850.3(SUCLA2):c.121C>G (p.His41Asp)

Gene: SUCLA2 (succinate-CoA ligase ADP-forming subunit beta; minus strand). Cytogenetic location: 13q14.2.
Variant type: single nucleotide variant.
Coding change: c.121C>G on transcript NM_003850.3 (MANE Select); coding-DNA position 121, C replaced by G.
Protein change: p.His41Asp; replaces histidine 41 with aspartic acid.
Molecular consequence: missense variant.
Genome position (GRCh38, 1-based): chr13:47,996,993, G>C on the plus strand (C>G on the coding strand, the complement: SUCLA2 is on the minus strand). VCF-style: chr13-47996993-G-C. GRCh37 (hg19) VCF-style: chr13-48571128-G-C.
Other names: c.121C>G (NM_003850.2); short protein forms H41D.
Identifiers: ClinVar variation 1446331 (VCV001446331.6), dbSNP rs1950197011, ClinGen allele CA388154365.
Genomic context (GRCh38, chr13:47,996,993, plus strand): 5'-TACTCATGTATTCATGTAGTGAGAGATTCCTTTGCTGTTGCTGCTGTACTTGGAGTCCAT[G>C]GTTATTAAACAATCCAGAACTTCCCAGAACCTAGAAAGATTGGGGACATATTTATATATG-3'
Protein context (NP_003841.1, residues 31-51): VLGSSGLFNN[His41Asp]GLQVQQQQQR